The following is an entry in ClinVar:

NM_000540.3(RYR1):c.9682G>A (p.Ala3228Thr)

Gene: RYR1 (ryanodine receptor 1; plus strand). Cytogenetic location: 19q13.2.
Variant type: single nucleotide variant.
Coding change: c.9682G>A on transcript NM_000540.3 (MANE Select); coding-DNA position 9682, G replaced by A.
Protein change: p.Ala3228Thr; replaces alanine 3228 with threonine.
Molecular consequence: missense variant.
Genome position (GRCh38, 1-based): chr19:38,516,214, G>A. VCF-style: chr19-38516214-G-A. GRCh37 (hg19) VCF-style: chr19-39006854-G-A.
Other names: c.9682G>A, p.Ala3228Thr (NM_001042723.2); short protein forms A3228T.
Identifiers: ClinVar variation 3385508 (VCV003385508.2).

ClinVar aggregate classification (germline): Uncertain significance. Review status: criteria provided, multiple submitters, no conflicts (2 of 4 stars). 2 submissions from 2 submitters: Uncertain significance (2). Last evaluated 2025-08-30.

Conditions:
Malignant hyperthermia, susceptibility to, 1 (MHS1). Also called: Anesthesia related hyperthermia; Malignant hyperpyrexia; Fulminating hyperpyrexia; Pharmacogenic myopathy; Malignant hyperthermia suceptibility 1; RYR1-Related Malignant Hyperthermia Susceptibility. Identifiers: Orphanet 423, MedGen C2930980, MONDO:0007783, OMIM 145600.

gnomAD v4.1: 4 of 1,586,266 alleles (0.00025%); highest among the groups gnomAD compares: Non-Finnish European, 0.00034%; no homozygotes.

Submissions (2):

Color Diagnostics, LLC DBA Color Health
Classification: Uncertain significance for Malignant hyperthermia, susceptibility to, 1. Last evaluated: 2025-08-30. Review status: criteria provided, single submitter. Criteria: ACMG Guidelines, 2015. Collection method: clinical testing. Allele origin: germline.
Comment: This missense variant replaces alanine with threonine at codon 3228 of the RYR1 protein. Computational prediction suggests that this variant may not impact protein structure and function. To our knowledge, functional studies have not been reported for this variant. This variant has not been reported in individuals affected with RYR1-related disorders in the literature. This variant has not been identified in the general population by the Genome Aggregation Database (gnomAD). The available evidence is insufficient to determine the role of this variant in disease conclusively. Therefore, this variant is classified as a Variant of Uncertain Significance.

All of Us Research Program, National Institutes of Health
Classification: Uncertain significance for Malignant hyperthermia, susceptibility to, 1. Last evaluated: 2024-03-05. Review status: criteria provided, single submitter. Criteria: ACMG Guidelines, 2015. Collection method: clinical testing. Allele origin: germline. Inheritance: Autosomal dominant inheritance. Observed: 1 variant allele, 1 heterozygote.
Comment: This study involves interpretation of variants in research participants for the purpose of population health screening. Participant phenotype was not available at the time of variant classification. Additional details can be found in publication PMID: 35346344, PMCID: PMC8962531